The following is an entry in ClinVar:

NM_001377265.1(MAPT):c.2013T>G (p.Asn671Lys)

Gene: MAPT (microtubule associated protein tau). Cytogenetic location: 17q21.31.
Variant type: single nucleotide variant.
Coding change: c.2013T>G on transcript NM_001377265.1 (MANE Select); coding-DNA position 2013, T replaced by G.
Protein change: p.Asn671Lys; replaces asparagine 671 with lysine.
Molecular consequence: missense variant. On other transcripts: intron variant (6).
Genome position (GRCh38, 1-based): chr17:46,010,324, T>G. VCF-style: chr17-46010324-T-G. GRCh37 (hg19) VCF-style: chr17-44087690-T-G.
Other names: c.1842T>G, p.Asn614Lys (NM_001123066.4); c.750T>G, p.Asn250Lys (NM_001123067.4); c.837T>G, p.Asn279Lys (NM_005910.6); c.663T>G, p.Asn221Lys (NM_016834.5); c.1788T>G, p.Asn596Lys (NM_016835.5); c.649-3919T>G (NM_001377268.1, NM_016841.5); c.823-3919T>G (NM_001203252.2); c.1801-3919T>G (NM_001377266.1); and 1 more; short protein forms N279K, N221K, N250K, N596K, N614K, N671K.
Identifiers: ClinVar variation 14253 (VCV000014253.37), dbSNP rs63750756, ClinGen allele CA225424.
Genomic context (GRCh38, chr17:46,010,324, plus strand): 5'-GGGTCCAGGGTGGCGTGTCACTCATCCTTTTTTCTGGCTACCAAAGGTGCAGATAATTAA[T>G]AAGAAGCTGGATCTTAGCAACGTCCAGTCCAAGTGTGGCTCAAAGGATAATATCAAACAC-3'
Protein context (NP_001364194.1, residues 661-681): QPGGGKVQII[Asn671Lys]KKLDLSNVQS

ClinVar aggregate classification (germline): Pathogenic. Review status: criteria provided, multiple submitters, no conflicts (2 of 4 stars). 7 submissions from 7 submitters: Pathogenic (5). 2 of the submissions do not count toward it. Last evaluated 2024-04-01.

Conditions:
MAPT-related disorder. Also called: MAPT-related condition; MAPT-Related Disorders.
Pick disease. Also called: PICK DISEASE OF BRAIN; LOBAR ATROPHY OF BRAIN; Pick's disease; DEMENTIA WITH LOBAR ATROPHY AND NEURONAL CYTOPLASMIC INCLUSIONS; Pick Disease of the Brain. Identifiers: Orphanet 282, MedGen C0236642, MONDO:0008243, OMIM 172700.
Parkinson disease, late-onset (PD). Also called: Susceptibility to Parkinson's Disease; Hereditary late onset Parkinson disease; PARKINSON DISEASE, LATE-ONSET, SUSCEPTIBILITY TO. Identifiers: Orphanet 411602, MedGen C3160718, MONDO:0008199, OMIM 168600.
Progressive supranuclear palsy-parkinsonism syndrome. Also called: Supranuclear palsy, progressive, 1, atypical; Progressive supranuclear palsy atypical; Atypical PSP; PARKINSON-DEMENTIA SYNDROME. Identifiers: Orphanet 240085, Orphanet 683, Orphanet 99750, MedGen C1850077, MONDO:0009839, OMIM 260540.
Frontotemporal dementia (FTD1). Also called: Dementia, frontotemporal, with or without parkinsonism; MULTIPLE SYSTEM TAUOPATHY WITH PRESENILE DEMENTIA; Frontotemporal lobe dementia (FLDEM); FRONTOTEMPORAL DEMENTIA WITH PARKINSONISM; FRONTOTEMPORAL LOBE DEMENTIA; FRONTOTEMPORAL LOBAR DEGENERATION WITH TAU INCLUSIONS. Identifiers: Orphanet 282, MedGen C0338451, MONDO:0017276, OMIM 600274, HP:0002145.
Progressive supranuclear ophthalmoplegia. Identifiers: MedGen C4551862.

Submissions (7):

CeGaT Center for Human Genetics Tuebingen
Classification: Pathogenic. Last evaluated: 2024-04-01. Review status: criteria provided, single submitter. Criteria: CeGaT Center For Human Genetics Tuebingen Variant Classification Criteria Version 2. Collection method: clinical testing. Allele origin: germline. Affected: yes. Observed: 1 variant allele.
Comment: MAPT: PP1:Strong, PS1, PM2, PS3:Moderate, PS4:Moderate

Labcorp Genetics (formerly Invitae), Labcorp
Classification: Pathogenic for Frontotemporal dementia. Last evaluated: 2024-01-27. Review status: criteria provided, single submitter. Criteria: Invitae Variant Classification Sherloc (09022015). Collection method: clinical testing. Allele origin: germline.
Comment: This sequence change replaces asparagine, which is neutral and polar, with lysine, which is basic and polar, at codon 279 of the MAPT protein (p.Asn279Lys). This variant is not present in population databases (gnomAD no frequency). This missense change has been observed in individuals with frontotemporal dementia (PMID: 9789048, 10412802, 10489057, 10802785, 14568818, 22818528, 26295349, 27082848). It has also been observed to segregate with disease in related individuals. ClinVar contains an entry for this variant (Variation ID: 14253). Advanced modeling of protein sequence and biophysical properties (such as structural, functional, and spatial information, amino acid conservation, physicochemical variation, residue mobility, and thermodynamic stability) performed at Invitae indicates that this missense variant is expected to disrupt MAPT protein function with a positive predictive value of 80%. For these reasons, this variant has been classified as Pathogenic.

Blueprint Genetics
Classification: Pathogenic for MAPT-related disorders. Last evaluated: 2023-07-27. Review status: criteria provided, single submitter. Criteria: ACMG Guidelines, 2015. Collection method: clinical testing. Allele origin: germline. Affected: yes. Observed: 2 variant alleles.

Revvity Omics, Revvity
Classification: Pathogenic. Last evaluated: 2021-11-19. Review status: criteria provided, single submitter. Criteria: ACMG Guidelines, 2015. Collection method: clinical testing. Allele origin: germline.

Fulgent Genetics
Classification: Pathogenic for Parkinson disease, late-onset; Pick disease; Progressive supranuclear palsy-parkinsonism syndrome; Frontotemporal dementia; Supranuclear palsy, progressive, 1. Last evaluated: 2018-10-31. Review status: criteria provided, single submitter. Criteria: ACMG Guidelines, 2015. Collection method: clinical testing. Allele origin: unknown.

OMIM
Classification: Pathogenic for FRONTOTEMPORAL DEMENTIA 1. Last evaluated: 2004-10-01. Review status: no assertion criteria provided. Collection method: literature only. Allele origin: germline. Not counted in ClinVar's aggregate classification.

VIB  Department of Molecular Genetics, University of Antwerp
No classification provided. Review status: no classification provided. Collection method: not provided. Allele origin: unknown. Not counted in ClinVar's aggregate classification.

Literature cited by the submitters: PubMed 9789048 (cited by Labcorp Genetics (formerly Invitae), Labcorp and OMIM); PubMed 10412802 (cited by Labcorp Genetics (formerly Invitae), Labcorp and OMIM); PubMed 10489057 (cited by Labcorp Genetics (formerly Invitae), Labcorp and OMIM); PubMed 10802785 (cited by Labcorp Genetics (formerly Invitae), Labcorp and OMIM); PubMed 14568818 (cited by Labcorp Genetics (formerly Invitae), Labcorp); PubMed 22818528 (cited by Labcorp Genetics (formerly Invitae), Labcorp); PubMed 26295349 (cited by Labcorp Genetics (formerly Invitae), Labcorp); PubMed 27082848 (cited by Labcorp Genetics (formerly Invitae), Labcorp); PubMed 1416801 (cited by OMIM); PubMed 10822460 (cited by OMIM); PubMed 12473774 (cited by OMIM); PubMed 15365985 (cited by OMIM); PubMed 16219306 (cited by OMIM).